The following is an entry in ClinVar:

ClinVar aggregate classification (germline): Uncertain significance (1 of 4 stars; one submission).

gnomAD v4.1: 1 of 1,613,884 alleles (0.000062%); highest among the groups gnomAD compares: Non-Finnish European, 0.000085%; no homozygotes.

Submission:

Labcorp Genetics (formerly Invitae), Labcorp
Classification: Uncertain significance. Last evaluated: 2024-01-24. Review status: criteria provided, single submitter. Criteria: Invitae Variant Classification Sherloc (09022015). Collection method: clinical testing. Allele origin: germline.
Comment: This sequence change replaces valine, which is neutral and non-polar, with leucine, which is neutral and non-polar, at codon 623 of the FAT1 protein (p.Val623Leu). This variant is present in population databases (rs767231814, gnomAD 0.003%). This variant has not been reported in the literature in individuals affected with FAT1-related conditions. Advanced modeling of protein sequence and biophysical properties (such as structural, functional, and spatial information, amino acid conservation, physicochemical variation, residue mobility, and thermodynamic stability) performed at Invitae indicates that this missense variant is not expected to disrupt FAT1 protein function with a negative predictive value of 80%. In summary, the available evidence is currently insufficient to determine the role of this variant in disease. Therefore, it has been classified as a Variant of Uncertain Significance.

NM_005245.4(FAT1):c.1867G>T (p.Val623Leu)

Gene: FAT1 (FAT atypical cadherin 1; minus strand). Cytogenetic location: 4q35.2.
Variant type: single nucleotide variant.
Coding change: c.1867G>T on transcript NM_005245.4 (MANE Select); coding-DNA position 1867, G replaced by T.
Protein change: p.Val623Leu; replaces valine 623 with leucine.
Molecular consequence: missense variant.
Genome position (GRCh38, 1-based): chr4:186,707,961, C>A on the plus strand (G>T on the coding strand, the complement: FAT1 is on the minus strand). VCF-style: chr4-186707961-C-A. GRCh37 (hg19) VCF-style: chr4-187629115-C-A.
Other names: short protein forms V623L.
Identifiers: ClinVar variation 3615876 (VCV003615876.2).